The following is an entry in ClinVar:

NM_018127.7(ELAC2):c.2390G>A (p.Arg797Lys)

Gene: ELAC2 (elaC ribonuclease Z 2; minus strand). Cytogenetic location: 17p12.
Variant type: single nucleotide variant.
Coding change: c.2390G>A on transcript NM_018127.7 (MANE Select); coding-DNA position 2390, G replaced by A.
Protein change: p.Arg797Lys; replaces arginine 797 with lysine.
Molecular consequence: missense variant.
Genome position (GRCh38, 1-based): chr17:12,992,909, C>T on the plus strand (G>A on the coding strand, the complement: ELAC2 is on the minus strand). VCF-style: chr17-12992909-C-T. GRCh37 (hg19) VCF-style: chr17-12896226-C-T.
Other names: c.2270G>A, p.Arg757Lys (NM_001165962.2); c.2387G>A, p.Arg796Lys (NM_173717.2); short protein forms R757K, R796K, R797K.
Identifiers: ClinVar variation 1909921 (VCV001909921.2), dbSNP rs888296975, ClinGen allele CA288074996.

ClinVar aggregate classification (germline): Uncertain significance (1 of 4 stars; one submission).

Conditions:
Combined oxidative phosphorylation defect type 17. Also called: Combined oxidative phosphorylation deficiency 17. Identifiers: Orphanet 369913, MedGen C3809526, MONDO:0014190, OMIM 615440.

Allele frequency attached by ClinVar (database versions not stated): gnomAD exomes below 0.00001.
gnomAD v4.1: 6 of 1,612,050 alleles (0.00037%); highest among the groups gnomAD compares: Middle Eastern, 0.033%; no homozygotes.

Submission:

Labcorp Genetics (formerly Invitae), Labcorp
Classification: Uncertain significance for Combined oxidative phosphorylation defect type 17. Last evaluated: 2022-07-21. Review status: criteria provided, single submitter. Criteria: Invitae Variant Classification Sherloc (09022015). Collection method: clinical testing. Allele origin: germline.
Comment: This sequence change replaces arginine, which is basic and polar, with lysine, which is basic and polar, at codon 797 of the ELAC2 protein (p.Arg797Lys). This variant is not present in population databases (gnomAD no frequency). This variant has not been reported in the literature in individuals affected with ELAC2-related conditions. Algorithms developed to predict the effect of missense changes on protein structure and function (SIFT, PolyPhen-2, Align-GVGD) all suggest that this variant is likely to be tolerated. In summary, the available evidence is currently insufficient to determine the role of this variant in disease. Therefore, it has been classified as a Variant of Uncertain Significance.